The following is an entry in ClinVar:

NC_000003.12:g.169764688C>A

Gene: TERC (telomerase RNA component; minus strand). Cytogenetic location: 3q26.2.
Variant type: single nucleotide variant.
Genome position: GRCh38 VCF-style: chr3-169764688-C-A. GRCh37 (hg19) VCF-style: chr3-169482476-C-A.
Identifiers: ClinVar variation 1010848 (VCV001010848.8), dbSNP rs1777958605, ClinGen allele CA436714910.

ClinVar aggregate classification (germline): Uncertain significance (1 of 4 stars; one submission).

Conditions:
Dyskeratosis congenita, autosomal dominant 1 (DKCA1). Also called: Dyskeratosis congenita Scoggins type. Identifiers: Orphanet 1775, MedGen C4551974, MONDO:0007485, OMIM 127550. Inheritance: Variable.

Submission:

Labcorp Genetics (formerly Invitae), Labcorp
Classification: Uncertain significance for Dyskeratosis congenita, autosomal dominant 1. Last evaluated: 2020-10-05. Review status: criteria provided, single submitter. Criteria: Invitae Variant Classification Sherloc (09022015). Collection method: clinical testing. Allele origin: germline.
Comment: This variant occurs in the TERC gene, which encodes an RNA molecule that does not result in a protein product. This variant is not present in population databases (ExAC no frequency). This variant has not been reported in the literature in individuals with TERC-related conditions. This variant is located within the BoxH/ACA scaRNA domain of the TERC RNA component, which is required for telomerase activity (PMID: 21844345). Functional studies testing the effect of this variant on TERC secondary structure or function have not been reported. In summary, the available evidence is currently insufficient to determine the role of this variant in disease. Therefore, it has been classified as a Variant of Uncertain Significance.

Literature cited by the submitters: PubMed 21844345.